The following is an entry in ClinVar:

NM_016417.3(GLRX5):c.23C>G (p.Ala8Gly)

Gene: GLRX5 (glutaredoxin 5; plus strand). Cytogenetic location: 14q32.13.
Variant type: single nucleotide variant.
Coding change: c.23C>G on transcript NM_016417.3 (MANE Select); coding-DNA position 23, C replaced by G.
Protein change: p.Ala8Gly; replaces alanine 8 with glycine.
Molecular consequence: missense variant.
Genome position (GRCh38, 1-based): chr14:95,535,112, C>G. VCF-style: chr14-95535112-C-G. GRCh37 (hg19) VCF-style: chr14-96001449-C-G.
Other names: short protein forms A8G.
Identifiers: ClinVar variation 3100342 (VCV003100342.11), dbSNP rs760361132, ClinGen allele CA7333875.

ClinVar aggregate classification (germline): Uncertain significance. Review status: criteria provided, multiple submitters, no conflicts (2 of 4 stars). 2 submissions from 2 submitters: Uncertain significance (2). Last evaluated 2025-05-01.

Allele frequency attached by ClinVar (database versions not stated): gnomAD 0.00004; TOPMed 0.00005; ExAC 0.00019.

Submissions (2):

CeGaT Center for Human Genetics Tuebingen
Classification: Uncertain significance. Last evaluated: 2025-05-01. Review status: criteria provided, single submitter. Criteria: CeGaT Center For Human Genetics Tuebingen Variant Classification Criteria Version 2. Collection method: clinical testing. Allele origin: germline. Affected: yes. Observed: 1 variant allele.
Comment: GLRX5: PM2

Ambry Genetics
Classification: Uncertain significance. Last evaluated: 2023-10-24. Review status: criteria provided, single submitter. Criteria: Ambry Variant Classification Scheme 2023. Collection method: clinical testing. Allele origin: germline.